The following is an entry in ClinVar:

NM_000312.4(PROC):c.752C>A (p.Ala251Glu)

Gene: PROC (protein C, inactivator of coagulation factors Va and VIIIa; plus strand). Cytogenetic location: 2q14.3.
Variant type: single nucleotide variant.
Coding change: c.752C>A on transcript NM_000312.4 (MANE Select); coding-DNA position 752, C replaced by A.
Protein change: p.Ala251Glu; replaces alanine 251 with glutamic acid.
Molecular consequence: missense variant.
Genome position (GRCh38, 1-based): chr2:127,427,178, C>A. VCF-style: chr2-127427178-C-A. GRCh37 (hg19) VCF-style: chr2-128184754-C-A.
Other names: c.935C>A, p.Ala312Glu (NM_001375602.1); c.917C>A, p.Ala306Glu (NM_001375603.1); c.815C>A, p.Ala272Glu (NM_001375604.1); c.854C>A, p.Ala285Glu (NM_001375605.1); c.920C>A, p.Ala307Glu (NM_001375606.1); c.938C>A, p.Ala313Glu (NM_001375607.1); c.695C>A, p.Ala232Glu (NM_001375608.1); c.728C>A, p.Ala243Glu (NM_001375609.1); and 2 more; short protein forms A232E, A243E, A249E, A251E, A272E, A285E, A306E, A307E.
Identifiers: ClinVar variation 1684348 (VCV001684348.1), dbSNP rs568121876, ClinGen allele CA348402346.

ClinVar aggregate classification (germline): Likely pathogenic (0 of 4 stars; one submission).

Conditions:
Reduced protein C activity. Identifiers: MedGen C0398625, MeSH D020151, HP:0005543.

Submission:

ISTH-SSC Genomics in Thrombosis and Hemostasis, KU Leuven, Center for Molecular and Vascular Biology
Classification: Likely pathogenic for Reduced protein C activity. Review status: no assertion criteria provided. Collection method: research. Allele origin: unknown. Affected: yes.
Comment: Submitted to GoldVariant by Dr Karyn Mégy from NIHR Bioresource - Cambridge University, UK